The following is an entry in ClinVar:

NM_004281.4(BAG3):c.1099C>G (p.Pro367Ala)

Gene: BAG3 (BAG cochaperone 3; plus strand). Cytogenetic location: 10q26.11.
Variant type: single nucleotide variant.
Coding change: c.1099C>G on transcript NM_004281.4 (MANE Select); coding-DNA position 1099, C replaced by G.
Protein change: p.Pro367Ala; replaces proline 367 with alanine.
Molecular consequence: missense variant.
Genome position (GRCh38, 1-based): chr10:119,676,653, C>G. VCF-style: chr10-119676653-C-G. GRCh37 (hg19) VCF-style: chr10-121436165-C-G.
Other names: short protein forms P367A.
Identifiers: ClinVar variation 3260200 (VCV003260200.1).

ClinVar aggregate classification (germline): Uncertain significance (1 of 4 stars; one submission).

Conditions:
Cardiovascular phenotype. Identifiers: MedGen CN230736.

gnomAD v4.1: 3 of 1,614,154 alleles (0.00019%); highest among the groups gnomAD compares: South Asian, 0.0033%; no homozygotes.

Submission:

Ambry Genetics
Classification: Uncertain significance for Cardiovascular phenotype. Last evaluated: 2024-04-30. Review status: criteria provided, single submitter. Criteria: Ambry Variant Classification Scheme 2023. Collection method: clinical testing. Allele origin: germline.
Comment: The p.P367A variant (also known as c.1099C>G), located in coding exon 4 of the BAG3 gene, results from a C to G substitution at nucleotide position 1099. The proline at codon 367 is replaced by alanine, an amino acid with highly similar properties. This amino acid position is well conserved in available vertebrate species. In addition, this alteration is predicted to be tolerated by in silico analysis. Based on the available evidence, the clinical significance of this variant remains unclear.